The following is an entry in ClinVar:

ClinVar aggregate classification (germline): Likely benign (1 of 4 stars; one submission).

Conditions:
ADCY3-related disorder. Also called: ADCY3-related condition.

Submission:

PreventionGenetics, part of Exact Sciences
Classification: Likely benign for ADCY3-related condition. Last evaluated: 2025-09-19. Review status: criteria provided, single submitter. Criteria: ACMG Guidelines, 2015. Collection method: clinical testing. Allele origin: germline.
Comment: This variant is classified as likely benign based on ACMG/AMP sequence variant interpretation guidelines (Richards et al. 2015 PMID: 25741868, with internal and published modifications).

NM_004036.5(ADCY3):c.1614C>G (p.Ala538=)

Gene: ADCY3 (adenylate cyclase 3; minus strand). Cytogenetic location: 2p23.3.
Variant type: single nucleotide variant.
Coding change: c.1614C>G on transcript NM_004036.5 (MANE Select); coding-DNA position 1614, C replaced by G.
Protein change: p.Ala538=; no amino-acid change (alanine 538 retained).
Molecular consequence: synonymous variant.
Genome position (GRCh38, 1-based): chr2:24,836,965, G>C on the plus strand (C>G on the coding strand, the complement: ADCY3 is on the minus strand). VCF-style: chr2-24836965-G-C. GRCh37 (hg19) VCF-style: chr2-25059834-G-C.
Other names: c.1614C>G, p.Ala538= (NM_001320613.2, NM_001377129.1, NM_001377130.1 and 1 more transcripts); c.1680C>G, p.Ala560= (NM_001377128.1); c.891C>G, p.Ala297= (NM_001377131.1).
Identifiers: ClinVar variation 4992934 (VCV004992934.1).
Genomic context (GRCh38, chr2:24,836,965, plus strand): 5'-CCCTGCACATACCTGGGCATCCTGCTCCTCGGGCTTCTCCGACGTGGACCCACTGCTGTG[G>C]GCACTCCCGTTGGGCTCCTTGGTCTCAATGAGGGCAGGGGAGCTGGACTTTGAGGAAGCT-3'
Protein context (NP_004027.2, residues 528-548): LIETKEPNGS[Ala538=]HSSGSTSEKP